The following is an entry in ClinVar:

NM_001145026.2(PTPRQ):c.6739-1G>A

Gene: PTPRQ (protein tyrosine phosphatase receptor type Q; plus strand). Cytogenetic location: 12q21.31.
Variant type: single nucleotide variant.
Coding change: c.6739-1G>A on transcript NM_001145026.2 (MANE Select); the canonical splice acceptor site of the intron before coding-DNA position 6739, G replaced by A.
Molecular consequence: splice acceptor variant.
Genome position (GRCh38, 1-based): chr12:80,678,601, G>A. VCF-style: chr12-80678601-G-A. GRCh37 (hg19) VCF-style: chr12-81072380-G-A.
Identifiers: ClinVar variation 560906 (VCV000560906.2), dbSNP rs1565855932, ClinGen allele CA385936950.
Genomic context (GRCh38, chr12:80,678,601, plus strand): 5'-ACTCCCTTTATGAAACTCTTCATCAATATATTTGTTTAACCACTCTGTCTTTGGTGTCTA[G>A]GCACAGTATATCTTTTTACACCAGTGCATTCTGGATCTCTTATCAAATAAGGGAAGTAAT-3'

ClinVar aggregate classification (germline): Pathogenic/Likely pathogenic. Review status: no assertion criteria provided (0 of 4 stars). 2 submissions from 2 submitters: Pathogenic (1); Likely pathogenic (1). Last evaluated 2018-09-10.

Conditions:
Hearing loss, autosomal recessive. Also called: Rare autosomal recessive non-syndromic sensorineural deafness type DFNB; Autosomal recessive nonsyndromic deafness; Nonsyndromic Hearing Loss, Recessive; Deafness, autosomal recessive. Identifiers: Orphanet 90635, Orphanet 90636, MedGen C1846647, MONDO:0019588, OMIM 607197.
Deafness. Identifiers: MedGen C0011053.

Submissions (2):

Center for Statistical Genetics, Columbia University
Classification: Pathogenic for Deafness. Last evaluated: 2018-09-10. Review status: no assertion criteria provided. Collection method: research. Allele origin: inherited. Affected: yes.
Comment: Autosomal recessive

University of Washington Center for Mendelian Genomics, University of Washington
Classification: Likely pathogenic for non-syndromic autosomal recessive hearing loss. Review status: no assertion criteria provided. Collection method: research. Allele origin: inherited. Affected: yes.

Literature cited by the submitters: PubMed 30303587 (cited by University of Washington Center for Mendelian Genomics, University of Washington).